The following is an entry in ClinVar:

NM_001197104.2(KMT2A):c.8909T>C (p.Val2970Ala)

Gene: KMT2A (lysine methyltransferase 2A; plus strand). Cytogenetic location: 11q23.3.
Variant type: single nucleotide variant.
Coding change: c.8909T>C on transcript NM_001197104.2 (MANE Select); coding-DNA position 8909, T replaced by C.
Protein change: p.Val2970Ala; replaces valine 2970 with alanine.
Molecular consequence: missense variant.
Genome position (GRCh38, 1-based): chr11:118,504,801, T>C. VCF-style: chr11-118504801-T-C. GRCh37 (hg19) VCF-style: chr11-118375516-T-C.
Other names: c.8999T>C, p.Val3000Ala (NM_001412597.1); c.8900T>C, p.Val2967Ala (NM_005933.4); short protein forms V2970A, V2967A, V3000A.
Identifiers: ClinVar variation 1905897 (VCV001905897.5), dbSNP rs150050498, ClinGen allele CA6304536.

ClinVar aggregate classification (germline): Uncertain significance (1 of 4 stars; one submission).

Allele frequency attached by ClinVar (database versions not stated): gnomAD 0.00001; gnomAD exomes 0.00001; TOPMed 0.00001; ExAC 0.00002; ESP Exome Variant Server 0.00008.
gnomAD v4.1: 6 of 1,613,998 alleles (0.00037%); highest among the groups gnomAD compares: East Asian, 0.0045%; no homozygotes.

Submission:

Labcorp Genetics (formerly Invitae), Labcorp
Classification: Uncertain significance. Last evaluated: 2024-10-10. Review status: criteria provided, single submitter. Criteria: Invitae Variant Classification Sherloc (09022015). Collection method: clinical testing. Allele origin: germline.
Comment: This sequence change replaces valine, which is neutral and non-polar, with alanine, which is neutral and non-polar, at codon 2970 of the KMT2A protein (p.Val2970Ala). This variant is present in population databases (rs150050498, gnomAD 0.01%). This variant has not been reported in the literature in individuals affected with KMT2A-related conditions. ClinVar contains an entry for this variant (Variation ID: 1905897). Invitae Evidence Modeling of protein sequence and biophysical properties (such as structural, functional, and spatial information, amino acid conservation, physicochemical variation, residue mobility, and thermodynamic stability) indicates that this missense variant is not expected to disrupt KMT2A protein function with a negative predictive value of 95%. In summary, the available evidence is currently insufficient to determine the role of this variant in disease. Therefore, it has been classified as a Variant of Uncertain Significance.